The following is an entry in ClinVar:

NM_000322.5(PRPH2):c.69G>A (p.Met23Ile)

Gene: PRPH2 (peripherin 2; minus strand). Cytogenetic location: 6p21.1.
Variant type: single nucleotide variant.
Coding change: c.69G>A on transcript NM_000322.5 (MANE Select); coding-DNA position 69, G replaced by A.
Protein change: p.Met23Ile; replaces methionine 23 with isoleucine.
Molecular consequence: missense variant.
Genome position (GRCh38, 1-based): chr6:42,722,266, C>T on the plus strand (G>A on the coding strand, the complement: PRPH2 is on the minus strand). VCF-style: chr6-42722266-C-T. GRCh37 (hg19) VCF-style: chr6-42690004-C-T.
Other names: short protein forms M23I.
Identifiers: ClinVar variation 1063671 (VCV001063671.9), dbSNP rs779326874, ClinGen allele CA3808669.

ClinVar aggregate classification (germline): Uncertain significance (1 of 4 stars; one submission).

Conditions:
PRPH2-related disorder. Also called: PRPH2-related condition; PRPH2-related disorders. Identifiers: MedGen CN239395.

Allele frequency attached by ClinVar (database versions not stated): gnomAD exomes below 0.00001; ExAC 0.00001.
gnomAD v4.1: 1 of 1,614,160 alleles (0.000062%); highest among the groups gnomAD compares: Non-Finnish European, 0.000085%; no homozygotes.

Submission:

Labcorp Genetics (formerly Invitae), Labcorp
Classification: Uncertain significance for PRPH2-related disorder. Last evaluated: 2020-10-18. Review status: criteria provided, single submitter. Criteria: Invitae Variant Classification Sherloc (09022015). Collection method: clinical testing. Allele origin: germline.
Comment: In summary, the available evidence is currently insufficient to determine the role of this variant in disease. Therefore, it has been classified as a Variant of Uncertain Significance. Algorithms developed to predict the effect of missense changes on protein structure and function are either unavailable or do not agree on the potential impact of this missense change (SIFT: "Deleterious"; PolyPhen-2: "Benign"; Align-GVGD: "Class C0"). This variant has not been reported in the literature in individuals with PRPH2-related conditions. This variant is present in population databases (rs779326874, ExAC 0.001%). This sequence change replaces methionine with isoleucine at codon 23 of the PRPH2 protein (p.Met23Ile). The methionine residue is highly conserved and there is a small physicochemical difference between methionine and isoleucine.